The following is an entry in ClinVar:

NM_024740.2(ALG9):c.1431A>G (p.Lys477=)

Gene: ALG9 (ALG9 alpha-1,2-mannosyltransferase; minus strand). Cytogenetic location: 11q23.1.
Variant type: single nucleotide variant.
Coding change: c.1431A>G on transcript NM_024740.2 (MANE Select); coding-DNA position 1431, A replaced by G.
Protein change: p.Lys477=; no amino-acid change (lysine 477 retained).
Molecular consequence: synonymous variant. On other transcripts: non-coding transcript variant (1).
Genome position (GRCh38, 1-based): chr11:111,837,509, T>C on the plus strand (A>G on the coding strand, the complement: ALG9 is on the minus strand). VCF-style: chr11-111837509-T-C. GRCh37 (hg19) VCF-style: chr11-111708232-T-C.
Other names: c.1410A>G, p.Lys470= (NM_001077690.1, NM_001352417.1); c.918A>G, p.Lys306= (NM_001077691.2, NM_001352413.1, NM_001352414.2 and 1 more transcripts); c.897A>G, p.Lys299= (NM_001077692.2, NM_001352409.1, NM_001352410.1 and 6 more transcripts); c.1287A>G, p.Lys429= (NM_001352418.1); c.822A>G, p.Lys274= (NM_001352422.2); c.774A>G, p.Lys258= (NM_001352423.2).
Identifiers: ClinVar variation 2166814 (VCV002166814.5), dbSNP rs782648996, ClinGen allele CA6274425.

ClinVar aggregate classification (germline): Likely benign. Review status: criteria provided, single submitter (1 of 4 stars). 2 submissions from 2 submitters: Likely benign (1). 1 of the submissions does not count toward it. Last evaluated 2024-12-12.

Conditions:
ALG9-related disorder. Also called: ALG9-related condition.
ALG9 congenital disorder of glycosylation (CDG1L). Also called: CDG Il; CONGENITAL DISORDER OF GLYCOSYLATION, TYPE Il; ALG9-CDG. Identifiers: Orphanet 79328, MedGen C2931006, MONDO:0012117, OMIM 608776.

Allele frequency attached by ClinVar (database versions not stated): gnomAD exomes below 0.00001; TOPMed 0.00001; ExAC 0.00002.
gnomAD v4.1: 2 of 1,614,148 alleles (0.00012%); highest among the groups gnomAD compares: Admixed American, 0.0033%; no homozygotes.

Submissions (2):

Labcorp Genetics (formerly Invitae), Labcorp
Classification: Likely benign for ALG9 congenital disorder of glycosylation. Last evaluated: 2024-12-12. Review status: criteria provided, single submitter. Criteria: Invitae Variant Classification Sherloc (09022015). Collection method: clinical testing. Allele origin: germline.

PreventionGenetics, part of Exact Sciences
Classification: Likely benign for ALG9-related condition. Last evaluated: 2020-07-20. Review status: no assertion criteria provided. Collection method: clinical testing. Allele origin: germline. Not counted in ClinVar's aggregate classification.
Comment: This variant is classified as likely benign based on ACMG/AMP sequence variant interpretation guidelines (Richards et al. 2015 PMID: 25741868, with internal and published modifications).